The following is an entry in ClinVar:

NM_001374385.1(ATP8B1):c.310G>A (p.Ala104Thr)

Gene: ATP8B1 (ATPase phospholipid transporting 8B1; minus strand). Cytogenetic location: 18q21.31.
Variant type: single nucleotide variant.
Coding change: c.310G>A on transcript NM_001374385.1 (MANE Select); coding-DNA position 310, G replaced by A.
Protein change: p.Ala104Thr; replaces alanine 104 with threonine.
Molecular consequence: missense variant.
Genome position (GRCh38, 1-based): chr18:57,704,638, C>T on the plus strand (G>A on the coding strand, the complement: ATP8B1 is on the minus strand). VCF-style: chr18-57704638-C-T. GRCh37 (hg19) VCF-style: chr18-55371870-C-T.
Other names: c.160G>A, p.Ala54Thr (NM_001374386.1); c.310G>A, p.Ala104Thr (NM_005603.6); short protein forms A104T, A54T.
Identifiers: ClinVar variation 889676 (VCV000889676.6), dbSNP rs756439394, ClinGen allele CA8974886.

ClinVar aggregate classification (germline): Uncertain significance. Review status: criteria provided, multiple submitters, no conflicts (2 of 4 stars). 3 submissions from 3 submitters: Uncertain significance (3). Last evaluated 2026-06-08.

Conditions:
ATP8B1-related disorder. Also called: ATP8B1-related condition; ATP8B1-related disorders.
Progressive familial intrahepatic cholestasis type 1. Also called: Byler's disease; BYLER DISEASE; Severe ATP8B1 Deficiency (Progressive Familial Intrahepatic Cholestasis Type 1 [PFIC1]). Identifiers: Orphanet 79306, MedGen C4551898, MONDO:0008892, OMIM 211600.

Allele frequency attached by ClinVar (database versions not stated): gnomAD 0.00006 and 0.00007; gnomAD exomes 0.00007; ExAC 0.00008; TOPMed 0.00009.
gnomAD v4.1: 110 of 1,609,392 alleles (0.0068%); highest among the groups gnomAD compares: African/African-American, 0.0093%; no homozygotes.

Submissions (3):

Women's Health and Genetics/Laboratory Corporation of America, LabCorp
Classification: Uncertain significance. Last evaluated: 2026-06-08. Review status: criteria provided, single submitter. Criteria: LabCorp Variant Classification Summary - May 2015. Collection method: clinical testing. Allele origin: germline.
Comment: Variant summary: ATP8B1 c.310G>A (p.Ala104Thr) results in a non-conservative amino acid change in the encoded protein sequence. Algorithms developed to predict the effect of missense changes on protein structure and function are either unavailable or do not agree on the potential impact of this missense change. The variant allele was found at a frequency of 7.2e-05 in 251182 control chromosomes. This frequency is not significantly higher than estimated for disease-causing variants in ATP8B1, allowing no conclusion about variant significance. To our knowledge, no occurrence of c.310G>A in individuals affected with ATP8B1-related conditions and no experimental evidence demonstrating its impact on protein function have been reported. ClinVar contains an entry for this variant (Variation ID: 889676). Based on the evidence outlined above, the variant was classified as uncertain significance.

PreventionGenetics, part of Exact Sciences
Classification: Uncertain significance for ATP8B1-related condition. Last evaluated: 2025-12-20. Review status: criteria provided, single submitter. Criteria: ACMG Guidelines, 2015. Collection method: clinical testing. Allele origin: germline.
Comment: The ATP8B1 c.310G>A variant is predicted to result in the amino acid substitution p.Ala104Thr. This variant was reported in at least one individual with Autism spectrum disorder (Table S2, Lim et al. 2017. PubMed ID: 28714951; Table S2, Turner et al. 2019. PubMed ID: 31785789; Supplement 1, Zhou et al. 2022. PubMed ID: 35982159). This variant is reported in 0.012% of alleles in individuals of European (Non-Finnish) descent in gnomAD. At this time, the clinical significance of this variant is uncertain due to the absence of conclusive functional and genetic evidence.

Illumina Laboratory Services, Illumina
Classification: Uncertain significance for Progressive familial intrahepatic cholestasis type 1. Last evaluated: 2018-03-16. Review status: criteria provided, single submitter. Criteria: ICSL Variant Classification Criteria 13 December 2019. Collection method: clinical testing. Allele origin: germline.